The following is an entry in ClinVar:

NM_199355.4(ADAMTS18):c.2717C>T (p.Thr906Ile)

Gene: ADAMTS18 (ADAM metallopeptidase with thrombospondin type 1 motif 18; minus strand). Cytogenetic location: 16q23.1.
Variant type: single nucleotide variant.
Coding change: c.2717C>T on transcript NM_199355.4 (MANE Select); coding-DNA position 2717, C replaced by T.
Protein change: p.Thr906Ile; replaces threonine 906 with isoleucine.
Molecular consequence: missense variant.
Genome position (GRCh38, 1-based): chr16:77,297,373, G>A on the plus strand (C>T on the coding strand, the complement: ADAMTS18 is on the minus strand). VCF-style: chr16-77297373-G-A. GRCh37 (hg19) VCF-style: chr16-77331270-G-A.
Other names: c.2201C>T, p.Thr734Ile (NM_001326358.2); c.2717C>T (NM_199355.2); short protein forms T734I, T906I.
Identifiers: ClinVar variation 1519853 (VCV001519853.4), dbSNP rs778021478, ClinGen allele CA8180773.

ClinVar aggregate classification (germline): Conflicting classifications of pathogenicity. Review status: criteria provided, conflicting classifications (1 of 4 stars). 2 submissions from 2 submitters: Uncertain significance (1); Likely benign (1). Last evaluated 2025-10-17.

Conditions:
Inborn genetic diseases. Identifiers: MedGen C0950123, MeSH D030342.

Allele frequency attached by ClinVar (database versions not stated): ExAC 0.00002; gnomAD 0.00019 and 0.00021; TOPMed 0.00017.

Submissions (2):

Ambry Genetics
Classification: Likely benign for Inborn genetic diseases. Last evaluated: 2025-10-17. Review status: criteria provided, single submitter. Criteria: Ambry Variant Classification Scheme 2023. Collection method: clinical testing. Allele origin: germline.

Labcorp Genetics (formerly Invitae), Labcorp
Classification: Uncertain significance. Last evaluated: 2022-05-10. Review status: criteria provided, single submitter. Criteria: Invitae Variant Classification Sherloc (09022015). Collection method: clinical testing. Allele origin: germline.
Comment: This sequence change replaces threonine, which is neutral and polar, with isoleucine, which is neutral and non-polar, at codon 906 of the ADAMTS18 protein (p.Thr906Ile). This variant is present in population databases (rs778021478, gnomAD 0.04%). This variant has not been reported in the literature in individuals affected with ADAMTS18-related conditions. Algorithms developed to predict the effect of missense changes on protein structure and function output the following: SIFT: "Not Available"; PolyPhen-2: "Benign"; Align-GVGD: "Not Available". The isoleucine amino acid residue is found in multiple mammalian species, which suggests that this missense change does not adversely affect protein function. In summary, the available evidence is currently insufficient to determine the role of this variant in disease. Therefore, it has been classified as a Variant of Uncertain Significance.